The following is an entry in ClinVar:

ClinVar aggregate classification (germline): Uncertain significance (1 of 4 stars; one submission).

gnomAD v4.1: 2 of 1,613,102 alleles (0.00012%); highest among the groups gnomAD compares: Non-Finnish European, 0.00017%; no homozygotes.

Submission:

Labcorp Genetics (formerly Invitae), Labcorp
Classification: Uncertain significance. Last evaluated: 2023-08-14. Review status: criteria provided, single submitter. Criteria: Invitae Variant Classification Sherloc (09022015). Collection method: clinical testing. Allele origin: germline.
Comment: In summary, the available evidence is currently insufficient to determine the role of this variant in disease. Therefore, it has been classified as a Variant of Uncertain Significance. Variants that disrupt the consensus splice site are a relatively common cause of aberrant splicing (PMID: 17576681, 9536098). Algorithms developed to predict the effect of sequence changes on RNA splicing suggest that this variant may disrupt the consensus splice site. This sequence change falls in intron 7 of the CENPJ gene. It does not directly change the encoded amino acid sequence of the CENPJ protein. It affects a nucleotide within the consensus splice site. This variant is not present in population databases (gnomAD no frequency). This variant has not been reported in the literature in individuals affected with CENPJ-related conditions. ClinVar contains an entry for this variant (Variation ID: 1963989).

Literature cited by the submitters: PubMed 17576681; PubMed 9536098.

NM_018451.5(CPAP):c.2692+4A>G

Gene: CPAP (centrosome assembly and centriole elongation protein; minus strand). Cytogenetic location: 13q12.13.
Variant type: single nucleotide variant.
Coding change: c.2692+4A>G on transcript NM_018451.5 (MANE Select); 4 bases into the intron after coding-DNA position 2692, A replaced by G.
Molecular consequence: intron variant.
Genome position (GRCh38, 1-based): chr13:24,905,342, T>C on the plus strand (A>G on the coding strand, the complement: CPAP is on the minus strand). VCF-style: chr13-24905342-T-C. GRCh37 (hg19) VCF-style: chr13-25479480-T-C.
Identifiers: ClinVar variation 1963989 (VCV001963989.5), dbSNP rs2541684120, ClinGen allele CA2575374032.